The following is an entry in ClinVar:

ClinVar aggregate classification (germline): Conflicting classifications of pathogenicity. Review status: criteria provided, conflicting classifications (1 of 4 stars). 3 submissions from 3 submitters: Uncertain significance (2); Likely benign (1). Last evaluated 2024-12-04.

Conditions:
Autosomal recessive limb-girdle muscular dystrophy type 2Q (LGMDR17). Also called: MUSCULAR DYSTROPHY, LIMB-GIRDLE, AUTOSOMAL RECESSIVE 17. Identifiers: Orphanet 254361, MedGen C3150989, MONDO:0013390, OMIM 613723.
Epidermolysis bullosa simplex 5B, with muscular dystrophy (EBS5B). Also called: EPIDERMOLYSIS BULLOSA SIMPLEX AND LIMB-GIRDLE MUSCULAR DYSTROPHY; Epidermolysis bullosa simplex with muscular dystrophy. Identifiers: Orphanet 257, MedGen C2931072, MONDO:0009181, OMIM 226670.
Epidermolysis bullosa simplex, Ogna type (EBS5A). Also called: EPIDERMOLYSIS BULLOSA SIMPLEX 5A, OGNA TYPE; Pidermolysis bullosa simplex 5A, Ogna type. Identifiers: Orphanet 79401, MedGen C0432317, MONDO:0007555, OMIM 131950.
Epidermolysis bullosa simplex 5C, with pyloric atresia (EBS5C). Also called: PLEC-Related Epidermolysis Bullosa with Pyloric Atresia; Epidermolysis bullosa simplex with pyloric atresia; PLEC1-Related Epidermolysis Bullosa with Pyloric Atresia. Identifiers: Orphanet 158684, MedGen C2677349, MONDO:0012807, OMIM 612138.
Epidermolysis bullosa simplex with nail dystrophy (EBS5D). Identifiers: MedGen C4225309, MONDO:0014661, OMIM 616487.

Allele frequency attached by ClinVar (database versions not stated): gnomAD exomes 0.00001; ExAC 0.00002; gnomAD 0.00002 and 0.00003; TOPMed 0.00003.
gnomAD v4.1: 66 of 1,590,550 alleles (0.0041%); highest among the groups gnomAD compares: Non-Finnish European, 0.0056%; no homozygotes.

Submissions (3):

Labcorp Genetics (formerly Invitae), Labcorp
Classification: Likely benign for Autosomal recessive limb-girdle muscular dystrophy type 2Q; Epidermolysis bullosa simplex, Ogna type; Epidermolysis bullosa simplex with nail dystrophy; Epidermolysis bullosa simplex 5C, with pyloric atresia; Epidermolysis bullosa simplex 5B, with muscular dystrophy. Last evaluated: 2024-12-04. Review status: criteria provided, single submitter. Criteria: Invitae Variant Classification Sherloc (09022015). Collection method: clinical testing. Allele origin: germline.

GeneDx
Classification: Uncertain significance. Last evaluated: 2021-06-21. Review status: criteria provided, single submitter. Criteria: GeneDx Variant Classification Process June 2021. Collection method: clinical testing. Allele origin: germline. Affected: yes.
Comment: Not observed at significant frequency in large population cohorts (Lek et al., 2016); In silico analysis supports that this variant does not alter splicing; Has not been previously published as pathogenic or benign to our knowledge; This variant is associated with the following publications: (PMID: 27535533)

Eurofins Ntd Llc (ga)
Classification: Uncertain significance. Last evaluated: 2015-01-20. Review status: criteria provided, single submitter. Criteria: EGL Classification Definitions 2015. Collection method: clinical testing. Allele origin: germline. Observed: 1 variant allele, 1 heterozygote.

NM_201384.3(PLEC):c.1461G>A (p.Glu487=)

Gene: PLEC (plectin; minus strand). Cytogenetic location: 8q24.3.
Variant type: single nucleotide variant.
Coding change: c.1461G>A on transcript NM_201384.3 (MANE Select); coding-DNA position 1461, G replaced by A.
Protein change: p.Glu487=; no amino-acid change (glutamic acid 487 retained).
Molecular consequence: synonymous variant.
Genome position (GRCh38, 1-based): chr8:143,933,069, C>T on the plus strand (G>A on the coding strand, the complement: PLEC is on the minus strand). VCF-style: chr8-143933069-C-T. GRCh37 (hg19) VCF-style: chr8-145007237-C-T.
Other names: c.1542G>A, p.Glu514= (NM_000445.5); c.1419G>A, p.Glu473= (NM_201378.4); c.1395G>A, p.Glu465= (NM_201379.3); c.1872G>A, p.Glu624= (NM_201380.4); c.1365G>A, p.Glu455= (NM_201381.3); c.1461G>A, p.Glu487= (NM_201382.4); c.1473G>A, p.Glu491= (NM_201383.3).
Identifiers: ClinVar variation 194474 (VCV000194474.14), dbSNP rs782426400, ClinGen allele CA240441.